The following is an entry in ClinVar:

ClinVar aggregate classification (germline): Likely pathogenic (3 of 4 stars; one submission).

Conditions:
Immunodeficiency 14 (IMD14A). Also called: p110-DELTA-ACTIVATING MUTATION CAUSING SENESCENT T CELLS, LYMPHADENOPATHY, AND IMMUNODEFICIENCY; IMMUNODEFICIENCY 14A WITH LYMPHOPROLIFERATION, AUTOSOMAL DOMINANT; ACTIVATED PI3K-DELTA SYNDROME 1; Activated PI3K Delta Syndrome Type 1 (APDS1). Identifiers: Orphanet 397596, Orphanet 693661, MedGen C5907821, MONDO:0014222, OMIM 615513.

gnomAD v4.1: 1 of 1,613,806 alleles (0.000062%); highest among the groups gnomAD compares: Non-Finnish European, 0.000085%; no homozygotes.

Submission:

ClinGen Primary Immune Regulatory Disorders Variant Curation Expert Panel, ClinGen
Classification: Likely pathogenic for Immunodeficiency 14. Last evaluated: 2025-12-19. Review status: reviewed by expert panel. Criteria: ClinGen AbDef ACMG Specifications PIK3CD V1.0.0. Collection method: curation. Allele origin: germline. Inheritance: Autosomal dominant inheritance.
Comment: NM_005026.5(PIK3CD):c.241G>A (p.Glu81Lys) is a missense variant causing substitution of glutamic acid by lysine at amino acid 81. This variant is present in gnomAD v4.1.0 at a total combined allele frequency of 0.0000006197, with 1 allele / 1,613,806 total alleles across all populations of gnomAD, which is lower than the ClinGen Antibody Deficiencies VCEP PM2_Supporting threshold of <0.00000132 (PM2_Supporting). At least one patient with this variant had a phenotype that included recurrent sinopulmonary infections and otitis media (4 pts), lymphoma (1 pt), lymphadenopathy (4 pts), eczema (1 pt), increased circulating antibody levels (0.5 pts), increased proportion of transitional B cells (2 pts), and lymphopenia (1 pt), with genotyping to rule out an alternative basis for disease in the PIK3R1 gene (13.5 total points, PMID: 28414062). Additionally, a phospho-AKT assay in patient T cells revealed over-activation of the PI3K pathway, which was rescued by inhibition using idelalisib (PMID: 28414062, PP4_Moderate). A second proband has a phenotype including lymphoproliferation with splenomegaly (4 pts), hepatic fibrosis and portal hypertension with gastrointestinal bleeding (1 pt), bronchiectasis (4 pts), lymphopenia (1 pt), and decreased IgG (0.5 pts), with genotyping that excluded an alternative basis for disease in PIK3R1 (10.5 pts, PMID:28428270). The variant was identified as a de novo occurrence with unconfirmed parental relationships in the proband (PS2_Moderate; PMID: 28428270). A kinase activity assay using this PIK3CD variant in healthy (non-patient) T cells showed increased phospho-AKT, indicating that the variant disrupts protein function (PS3_Supporting; PMID: 28414062). The computational predictor REVEL gives a score of 0.661, which is above the ClinGen Antibody Deficiencies VCEP threshold of >0.644 and predicts a damaging effect on PIK3CD function. The computational predictor CADD gives a PHRED score of 31.0, which is above the ClinGen Antibody Deficiencies VCEP threshold of >25.3 and predicts a deleterious effect on PIK3CD function. The two predictors agree on a damaging effect (PP3). In summary, this variant meets the criteria to be classified as likely pathogenic for autosomal dominant immunodeficiency 14 based on the ACMG/AMP criteria applied, as specified by the ClinGen Antibody Deficiencies VCEP: PS2_Moderate, PS4_Supporting, PP4_Moderate, PM2_Supporting, PS3_Supporting, and PP3. (VCEP specifications version 1.0.0).

Literature cited by the submitters: PubMed 28414062.

NM_005026.5(PIK3CD):c.241G>A (p.Glu81Lys)

Gene: PIK3CD (phosphatidylinositol-4,5-bisphosphate 3-kinase catalytic subunit delta; plus strand). Cytogenetic location: 1p36.22.
Variant type: single nucleotide variant.
Coding change: c.241G>A on transcript NM_005026.5 (MANE Select); coding-DNA position 241, G replaced by A.
Protein change: p.Glu81Lys; replaces glutamic acid 81 with lysine.
Molecular consequence: missense variant.
Genome position (GRCh38, 1-based): chr1:9,715,640, G>A. VCF-style: chr1-9715640-G-A. GRCh37 (hg19) VCF-style: chr1-9775698-G-A.
Other names: NM_005026.5:c.241G>A; c.241G>A, p.Glu81Lys (NM_001350234.2, NM_001350235.1, NM_001437546.1 and 3 more transcripts); short protein forms E81K.
Identifiers: ClinVar variation 4684966 (VCV004684966.1).